The following is an entry in ClinVar:

ClinVar aggregate classification (germline): Uncertain significance. Review status: criteria provided, multiple submitters, no conflicts (2 of 4 stars). 3 submissions from 3 submitters: Uncertain significance (3). Last evaluated 2024-06-17.

Conditions:
Cone-rod dystrophy and hearing loss 1 (CRDHL1). Identifiers: MedGen C5193018, MONDO:0020778, OMIM 617236.

Allele frequency attached by ClinVar (database versions not stated): gnomAD exomes below 0.00001 and 0.00002; gnomAD 0.00001; TOPMed 0.00001; ExAC 0.00002.

Submissions (3):

3billion
Classification: Uncertain significance for Cone-rod dystrophy and hearing loss 1. Last evaluated: 2024-06-17. Review status: criteria provided, single submitter. Criteria: ACMG Guidelines, 2015. Collection method: clinical testing. Allele origin: germline. Affected: yes.
Comment: The variant is observed at an extremely low frequency in the gnomAD v4.0.0 dataset (total allele frequency: <0.001%). Predicted Consequence/Location: The majority of the known disease-causing variants of this gene are variants expected to result in premature termination of the protein. Therefore, this variant is classified as VUS according to the recommendation of ACMG/AMP guideline.

Labcorp Genetics (formerly Invitae), Labcorp
Classification: Uncertain significance. Last evaluated: 2024-01-18. Review status: criteria provided, single submitter. Criteria: Invitae Variant Classification Sherloc (09022015). Collection method: clinical testing. Allele origin: germline.
Comment: This sequence change replaces isoleucine, which is neutral and non-polar, with threonine, which is neutral and polar, at codon 525 of the CEP78 protein (p.Ile525Thr). This variant is present in population databases (rs755553001, gnomAD 0.01%). This variant has not been reported in the literature in individuals affected with CEP78-related conditions. ClinVar contains an entry for this variant (Variation ID: 1006577). Advanced modeling of protein sequence and biophysical properties (such as structural, functional, and spatial information, amino acid conservation, physicochemical variation, residue mobility, and thermodynamic stability) performed at Invitae indicates that this missense variant is expected to disrupt CEP78 protein function with a positive predictive value of 80%. In summary, the available evidence is currently insufficient to determine the role of this variant in disease. Therefore, it has been classified as a Variant of Uncertain Significance.

Blueprint Genetics
Classification: Uncertain significance. Last evaluated: 2021-06-23. Review status: criteria provided, single submitter. Criteria: ACMG Guidelines, 2015. Collection method: clinical testing. Allele origin: germline.

NM_001330691.3(CEP78):c.1571T>C (p.Ile524Thr)

Gene: CEP78 (centrosomal protein 78; plus strand). Cytogenetic location: 9q21.2.
Variant type: single nucleotide variant.
Coding change: c.1571T>C on transcript NM_001330691.3 (MANE Select); coding-DNA position 1571, T replaced by C.
Protein change: p.Ile524Thr; replaces isoleucine 524 with threonine.
Molecular consequence: missense variant.
Genome position (GRCh38, 1-based): chr9:78,264,262, T>C. VCF-style: chr9-78264262-T-C. GRCh37 (hg19) VCF-style: chr9-80879178-T-C.
Other names: c.1574T>C, p.Ile525Thr (NM_001098802.3, NM_001349839.2, NM_001349840.2 and 1 more transcripts); c.1571T>C, p.Ile524Thr (NM_001330693.3, NM_001330694.2, NM_001349838.2); short protein forms I524T, I525T.
Identifiers: ClinVar variation 1006577 (VCV001006577.8), dbSNP rs755553001, ClinGen allele CA5095290.